The following is an entry in ClinVar:

NM_007194.4(CHEK2):c.1159A>G (p.Thr387Ala)

Gene: CHEK2 (checkpoint kinase 2; minus strand). Cytogenetic location: 22q12.1.
Variant type: single nucleotide variant.
Coding change: c.1159A>G on transcript NM_007194.4 (MANE Select); coding-DNA position 1159, A replaced by G.
Protein change: p.Thr387Ala; replaces threonine 387 with alanine.
Molecular consequence: missense variant.
Genome position (GRCh38, 1-based): chr22:28,695,810, T>C on the plus strand (A>G on the coding strand, the complement: CHEK2 is on the minus strand). VCF-style: chr22-28695810-T-C. GRCh37 (hg19) VCF-style: chr22-29091798-T-C.
Other names: c.1288A>G, p.Thr430Ala (NM_001005735.3); c.496A>G, p.Thr166Ala (NM_001257387.3); c.958A>G, p.Thr320Ala (NM_001349956.3); c.1072A>G, p.Thr358Ala (NM_145862.3); short protein forms T387A, T430A, T320A, T166A, T358A.
Identifiers: ClinVar variation 460788 (VCV000460788.21), dbSNP rs771387164, ClinGen allele CA10167717.
Genomic context (GRCh38, chr22:28,695,810, plus strand): 5'-CACGGTTATACCCAGCAGTCCCAACAGAAACAAGAACTTCAGGCGCCAAGTAGGTGGGGG[T>C]TCCACATAAGGTTCTCATGAGAGAGGTCTCTCCCAAAATCTTGGAGTGCCCAAAATCAGT-3'
Protein context (NP_009125.1, residues 377-397): ETSLMRTLCG[Thr387Ala]PTYLAPEVLV

ClinVar aggregate classification (germline): Conflicting classifications of pathogenicity. Review status: criteria provided, conflicting classifications (1 of 4 stars). 4 submissions from 4 submitters: Likely pathogenic (1); Uncertain significance (3). Last evaluated 2025-11-27.

Conditions:
Familial cancer of breast. Also called: BREAST CANCER, FAMILIAL; Hereditary breast cancer; hereditary breast carcinoma. Identifiers: Orphanet 227535, MedGen C0346153, MONDO:0016419, OMIM 114480. Disease mechanism: loss of function.
Hereditary cancer-predisposing syndrome. Also called: Neoplastic Syndromes, Hereditary; Tumor predisposition; Hereditary neoplastic syndrome; Hereditary Cancer Syndrome. Identifiers: Orphanet 140162, MedGen C0027672, MeSH D009386, MONDO:0015356.

Allele frequency attached by ClinVar (database versions not stated): ExAC 0.00001.

Submissions (4):

Dasa
Classification: Uncertain significance. Last evaluated: 2025-11-27. Review status: criteria provided, single submitter. Criteria: DASA Assertion Criteria. Collection method: clinical testing. Allele origin: germline.
Comment: NM_007194.4(CHEK2):c.1159A>G (p.Thr387Ala) is a missense variant that results in the substitution of threonine with alanine. Functional evidence supports an impact on the gene or gene product (PMID: 20713355; PMID: 11390408; PMID: 29945567). Also, this variant is absent from population databases. The currently available literature and clinical evidence are not sufficient to establish a definitive association between this variant and the reported condition. Therefore, this variant is classified as a variant of uncertain significance.

Labcorp Genetics (formerly Invitae), Labcorp
Classification: Uncertain significance for Familial cancer of breast. Last evaluated: 2025-09-27. Review status: criteria provided, single submitter. Criteria: Invitae Variant Classification Sherloc (09022015). Collection method: clinical testing. Allele origin: germline.
Comment: This sequence change replaces threonine, which is neutral and polar, with alanine, which is neutral and non-polar, at codon 387 of the CHEK2 protein (p.Thr387Ala). This variant is present in population databases (rs771387164, gnomAD 0.0009%). This missense change has been observed in individual(s) with pancreatic cancer (PMID: 29945567). ClinVar contains an entry for this variant (Variation ID: 460788). An algorithm developed to predict the effect of missense changes on protein structure and function (PolyPhen-2) suggests that this variant is likely to be disruptive. Experimental studies have shown that this missense change affects CHEK2 function (PMID: 11390408, 12805407, 16835864, 20713355). This variant disrupts the serine/threonine kinase domain of the CHEK2 protein, which is essential for protein function (PMID: 30264118, 31843900, 29785007). While functional studies have not been performed to directly test the effect of this variant on CHEK2 protein function, this suggests that disruption of this region of the protein is causative of disease. In summary, the available evidence is currently insufficient to determine the role of this variant in disease. Therefore, it has been classified as a Variant of Uncertain Significance.

Ambry Genetics
Classification: Uncertain significance for Hereditary cancer-predisposing syndrome. Last evaluated: 2024-04-26. Review status: criteria provided, single submitter. Criteria: Ambry Variant Classification Scheme 2023. Collection method: clinical testing. Allele origin: germline.
Comment: The p.T387A variant (also known as c.1159A>G), located in coding exon 10 of the CHEK2 gene, results from an A to G substitution at nucleotide position 1159. The threonine at codon 387 is replaced by alanine, an amino acid with similar properties. This alteration has been reported in a cohort of pancreatic cancer patients unselected for family history (Young EL et al. BMC Cancer. 2018 Jun;18:697). This alteration is located in the activation loop of the CHEK2 kinase domain, and has been shown to result in abolished CHEK2 kinase activity (Wu X et al. Hum. Mutat. 2006 Aug;27:742-7). This amino acid position is highly conserved in available vertebrate species. In addition, the in silico prediction for this alteration is inconclusive. Since supporting evidence is limited at this time, the clinical significance of this alteration remains unclear.

Myriad Genetics, Inc.
Classification: Likely pathogenic for Familial cancer of breast. Last evaluated: 2023-06-28. Review status: criteria provided, single submitter. Criteria: Myriad Autosomal Dominant, Autosomal Recessive and X-Linked Classification Criteria (2023). Collection method: clinical testing. Allele origin: unknown.
Comment: This variant is considered likely pathogenic. Functional studies indicate this variant impacts protein function [PMID: 20713355, 16835864, 11390408].

Literature cited by the submitters: PubMed 20713355 (cited by 3 submitters); PubMed 11390408 (cited by 3 submitters); PubMed 29945567 (cited by 3 submitters); PubMed 12805407 (cited by Labcorp Genetics (formerly Invitae), Labcorp); PubMed 16835864 (cited by 3 submitters); PubMed 30264118 (cited by Labcorp Genetics (formerly Invitae), Labcorp); PubMed 31843900 (cited by Labcorp Genetics (formerly Invitae), Labcorp); PubMed 29785007 (cited by Labcorp Genetics (formerly Invitae), Labcorp).